The following is an entry in ClinVar:

NM_000534.5(PMS1):c.287C>G (p.Ala96Gly)

Gene: PMS1 (PMS1 homolog 1, mismatch repair system component; plus strand). Cytogenetic location: 2q32.2.
Variant type: single nucleotide variant.
Coding change: c.287C>G on transcript NM_000534.5 (MANE Select); coding-DNA position 287, C replaced by G.
Protein change: p.Ala96Gly; replaces alanine 96 with glycine.
Molecular consequence: missense variant. On other transcripts: 5 prime UTR variant (1), non-coding transcript variant (1), intron variant (2).
Genome position (GRCh38, 1-based): chr2:189,795,923, C>G. VCF-style: chr2-189795923-C-G. GRCh37 (hg19) VCF-style: chr2-190660649-C-G.
Other names: c.287C>G, p.Ala96Gly (NM_001128143.2, NM_001128144.2, NM_001321044.2 and 5 more transcripts); c.-139C>G (NM_001289408.2); c.132+3982C>G (NM_001321046.2); c.-111+3982C>G (NM_001289409.2); c.287C>G (NM_000534.4); short protein forms A96G.
Identifiers: ClinVar variation 135042 (VCV000135042.3), dbSNP rs139414606, ClinGen allele CA161500.
Genomic context (GRCh38, chr2:189,795,923, plus strand): 5'-CAAAAATAAATAGTCATGAAGATCTTGAAAATTTGACAACTTACGGTTTTCGTGGAGAAG[C>G]CTTGGGGTCAATTTGTTGTATAGCTGAGGTAAGGTAATTATATTGGTTATTTTAGTGATT-3'
Protein context (NP_000525.1, residues 86-106): NLTTYGFRGE[Ala96Gly]LGSICCIAEV

ClinVar aggregate classification (germline): Likely pathogenic. Review status: criteria provided, single submitter (1 of 4 stars). 2 submissions from 2 submitters: Likely pathogenic (1). 1 of the submissions does not count toward it. Last evaluated 2022-01-01.

Conditions:
Ovarian cancer. Also called: OVARIAN CANCER, SOMATIC. Identifiers: Orphanet 213500, MedGen C1140680, MONDO:0008170, OMIM 167000.

Allele frequency attached by ClinVar (database versions not stated): TOPMed 0.00002.
gnomAD v4.1: 9 of 1,612,606 alleles (0.00056%); highest among the groups gnomAD compares: Admixed American, 0.0017%; no homozygotes.

Submissions (2):

Laboratory of Molecular Epidemiology of Birth Defects, West China Second University Hospital, Sichuan University
Classification: Likely pathogenic for Ovarian cancer. Last evaluated: 2022-01-01. Review status: criteria provided, single submitter. Criteria: ACMG Guidelines, 2015. Collection method: clinical testing. Allele origin: germline. Affected: yes.

ITMI
No classification provided. Condition: AllHighlyPenetrant. Last evaluated: 2013-09-19. Review status: no classification provided. Collection method: reference population. Allele origin: germline. Not counted in ClinVar's aggregate classification.
Comment: Please see associated publication for description of ethnicities

Literature cited by the submitters: PubMed 24728327 (cited by ITMI).